The following is an entry in ClinVar:

ClinVar aggregate classification (germline): Pathogenic (1 of 4 stars; one submission).

Conditions:
DICER1-related tumor predisposition. Also called: DICER1 syndrome; DICER1-related pleuropulmonary blastoma cancer predisposition syndrome. Identifiers: Orphanet 284343, MedGen C3839822, MONDO:0100216.

Submission:

Labcorp Genetics (formerly Invitae), Labcorp
Classification: Pathogenic for DICER1-related tumor predisposition. Last evaluated: 2023-12-31. Review status: criteria provided, single submitter. Criteria: Invitae Variant Classification Sherloc (09022015). Collection method: clinical testing. Allele origin: germline.
Comment: This sequence change creates a premature translational stop signal (p.Arg1071Leufs*25) in the DICER1 gene. It is expected to result in an absent or disrupted protein product. Loss-of-function variants in DICER1 are known to be pathogenic (PMID: 19556464, 21266384). This variant is not present in population databases (gnomAD no frequency). This variant has not been reported in the literature in individuals affected with DICER1-related conditions. ClinVar contains an entry for this variant (Variation ID: 2011736). For these reasons, this variant has been classified as Pathogenic.

Literature cited by the submitters: PubMed 19556464; PubMed 21266384.

NM_177438.3(DICER1):c.3210_3211insTT (p.Arg1071fs)

Gene: DICER1 (dicer 1, ribonuclease III; minus strand). Cytogenetic location: 14q32.13.
Variant type: Insertion.
Coding change: c.3210_3211insTT on transcript NM_177438.3 (MANE Select); coding-DNA positions 3210 to 3211, TT inserted.
Protein change: p.Arg1071fs; shifts the reading frame from arginine 1071.
Molecular consequence: frameshift variant. On other transcripts: non-coding transcript variant (6).
Genome position: GRCh38 VCF-style: chr14-95105129-T-TAA. GRCh37 (hg19) VCF-style: chr14-95571466-T-TAA.
Other names: c.3210_3211insTT, p.Arg1071fs (NM_001395684.1, NM_001395692.1, NM_001395693.1 and 12 more transcripts); c.2928_2929insTT, p.Arg977fs (NM_001395686.1); c.2805_2806insTT, p.Arg936fs (NM_001395687.1, NM_001395688.1, NM_001395689.1 and 2 more transcripts); c.2643_2644insTT, p.Arg882fs (NM_001395691.1); c.1527_1528insTT, p.Arg510fs (NM_001395697.1); c.3210_3211insTT, p.Arg1071Leufs (NM_001395681.1); short protein forms R1071fs, R510fs, R882fs, R936fs, R977fs.
Identifiers: ClinVar variation 2011736 (VCV002011736.4), dbSNP rs2542752936, ClinGen allele CA2580089017.
Genomic context (GRCh38, chr14:95,105,129, plus strand): 5'-ACCTAAAATCCGCAGGAAGTGATCTGACTCCCACGCCAGCATCGCTGGCAGTCTGGGCTC[T>TAA]TAGCTCCTCTGCAGTCAAAAGGCAGTGAAGGCGATAAAGTATGCTGGGGAGACAAACAGC-3'